The following is an entry in ClinVar:

ClinVar aggregate classification (germline): Pathogenic (1 of 4 stars; one submission).

Conditions:
Multiple endocrine neoplasia, type 1 (MEN1). Also called: MEA I; MEN I; WERMER SYNDROME; Endocrine adenomatosis multiple; MEN 1. Identifiers: Orphanet 652, MedGen C0025267, MeSH D018761, MONDO:0007540, OMIM 131100.

Submissions (2):

Labcorp Genetics (formerly Invitae), Labcorp
Classification: Pathogenic for Multiple endocrine neoplasia, type 1. Last evaluated: 2024-09-23. Review status: criteria provided, single submitter. Criteria: Invitae Variant Classification Sherloc (09022015). Collection method: clinical testing. Allele origin: germline.
Comment: This sequence change affects a donor splice site in intron 6 of the MEN1 gene. It is expected to disrupt RNA splicing. Variants that disrupt the donor or acceptor splice site typically lead to a loss of protein function (PMID: 16199547), and loss-of-function variants in MEN1 are known to be pathogenic (PMID: 12112656, 17853334). This variant is not present in population databases (gnomAD no frequency). Disruption of this splice site has been observed in individuals with clinical features of MEN1-related conditions (internal data). ClinVar contains an entry for this variant (Variation ID: 1422132). Algorithms developed to predict the effect of sequence changes on RNA splicing suggest that this variant may disrupt the consensus splice site. For these reasons, this variant has been classified as Pathogenic.

Dr. Peter K. Rogan Lab, Western University
No classification provided (evidence only). Condition: Ovarian serous cystadenocarcinoma. Review status: no classification provided. Collection method: in vitro. Allele origin: not applicable. Functional consequence: retained intron. Not counted in ClinVar's aggregate classification.

Literature cited by the submitters: PubMed 16199547 (cited by Labcorp Genetics (formerly Invitae), Labcorp); PubMed 12112656 (cited by Labcorp Genetics (formerly Invitae), Labcorp); PubMed 17853334 (cited by Labcorp Genetics (formerly Invitae), Labcorp).

NM_001370259.2(MEN1):c.912+2T>G

Gene: MEN1 (menin 1; minus strand). Cytogenetic location: 11q13.1.
Variant type: single nucleotide variant.
Coding change: c.912+2T>G on transcript NM_001370259.2 (MANE Select); the canonical splice donor site of the intron after coding-DNA position 912, T replaced by G.
Molecular consequence: splice donor variant.
Genome position (GRCh38, 1-based): chr11:64,807,009, A>C on the plus strand (T>G on the coding strand, the complement: MEN1 is on the minus strand). VCF-style: chr11-64807009-A-C. GRCh37 (hg19) VCF-style: chr11-64574481-A-C.
Other names: c.927+2T>G (NM_130804.3, NM_130803.3, NM_000244.4 and 5 more transcripts); c.807+2T>G (NM_001407148.1, NM_001407149.1, NM_001407151.1 and 2 more transcripts); c.912+2T>G (NM_130799.3, NM_001407144.1, NM_001370260.2 and 7 more transcripts).
Identifiers: ClinVar variation 1422132 (VCV001422132.7), dbSNP rs1555165256, ClinGen allele CA381183470.
Genomic context (GRCh38, chr11:64,807,009, plus strand): 5'-GAGGGCCCCTGCCTCAGCCACTGTTAGGGTCTCCCTTCTGCACCCTCCTTAGATGCCCCC[A>C]CCTTGTGGTAGAGGGTGAGTGGGTCTGGCCGGCCAGGGGTGGGCTCCAGCTCCTCTAGAT-3'